The following is an entry in ClinVar:

ClinVar aggregate classification (germline): Pathogenic (1 of 4 stars; one submission).

Submission:

Labcorp Genetics (formerly Invitae), Labcorp
Classification: Pathogenic. Last evaluated: 2023-06-28. Review status: criteria provided, single submitter. Criteria: Invitae Variant Classification Sherloc (09022015). Collection method: clinical testing. Allele origin: germline.
Comment: For these reasons, this variant has been classified as Pathogenic. This variant disrupts a region of the GRM6 protein in which other variant(s) (p.Leu668Pro) have been determined to be pathogenic (PMID: 30718709; Invitae). This suggests that this is a clinically significant region of the protein, and that variants that disrupt it are likely to be disease-causing. This variant has not been reported in the literature in individuals affected with GRM6-related conditions. This variant results in the deletion of exons 7 and 8, part of exons 6 and 9, and the insertion of 8 nucleotides (c.1218_2354delinsGGTGCTCC) of the GRM6 gene. While this deletion is not anticipated to lead to nonsense mediated decay, it is expected to disrupt the C-terminus of the protein.

Literature cited by the submitters: PubMed 30718709.

NC_000005.9:g.(?_178409993)_(178416072_?)del

Gene: GRM6 (glutamate metabotropic receptor 6; minus strand). Cytogenetic location: 5q35.3.
Variant type: Deletion.
Identifiers: ClinVar variation 2423425 (VCV002423425.4).